The following is an entry in ClinVar:

NM_002880.4(RAF1):c.725C>A (p.Thr242Asn)

Gene: RAF1 (Raf-1 proto-oncogene, serine/threonine kinase; minus strand). Cytogenetic location: 3p25.2.
Variant type: single nucleotide variant.
Coding change: c.725C>A on transcript NM_002880.4 (MANE Select); coding-DNA position 725, C replaced by A.
Protein change: p.Thr242Asn; replaces threonine 242 with asparagine.
Molecular consequence: missense variant. On other transcripts: non-coding transcript variant (3).
Genome position (GRCh38, 1-based): chr3:12,604,245, G>T on the plus strand (C>A on the coding strand, the complement: RAF1 is on the minus strand). VCF-style: chr3-12604245-G-T. GRCh37 (hg19) VCF-style: chr3-12645744-G-T.
Other names: c.725C>A, p.Thr242Asn (NM_001354689.3, NM_001354690.3); c.482C>A, p.Thr161Asn (NM_001354691.3, NM_001354692.3, NM_001354694.3); c.626C>A, p.Thr209Asn (NM_001354693.3); c.383C>A, p.Thr128Asn (NM_001354695.3); short protein forms T128N, T161N, T209N, T242N.
Identifiers: ClinVar variation 4801594 (VCV004801594.1).
Genomic context (GRCh38, chr3:12,604,245, plus strand): 5'-TTAGGTGTGGATGTCGACCTCTGCCTCTGGGAGAGGGAACCTTCAGATGAGGGACTGGAG[G>T]TGTTAAAGGTGAAGGCGTGAGGTGTAGAATATCTGTGCTGAGAACTAGGAGGAGAAAGAA-3'
Protein context (NP_002871.1, residues 232-252): YSTPHAFTFN[Thr242Asn]SSPSSEGSLS

ClinVar aggregate classification (germline): Uncertain significance (1 of 4 stars; one submission).

Conditions:
RASopathy. Also called: rasopathies; Noonan spectrum disorder. Identifiers: Orphanet 536391, MedGen C5555857, MONDO:0021060.

Submission:

Labcorp Genetics (formerly Invitae), Labcorp
Classification: Uncertain significance for RASopathy. Last evaluated: 2025-08-01. Review status: criteria provided, single submitter. Criteria: Invitae Variant Classification Sherloc (09022015). Collection method: clinical testing. Allele origin: germline.
Comment: This sequence change replaces threonine, which is neutral and polar, with asparagine, which is neutral and polar, at codon 242 of the RAF1 protein (p.Thr242Asn). This variant is not present in population databases (gnomAD no frequency). This variant has not been reported in the literature in individuals affected with RAF1-related conditions. Invitae Evidence Modeling of protein sequence and biophysical properties (such as structural, functional, and spatial information, amino acid conservation, physicochemical variation, residue mobility, and thermodynamic stability) indicates that this missense variant is not expected to disrupt RAF1 protein function with a negative predictive value of 95%. In summary, the available evidence is currently insufficient to determine the role of this variant in disease. Therefore, it has been classified as a Variant of Uncertain Significance.